The following is an entry in ClinVar:

NM_006019.4(TCIRG1):c.1024G>T (p.Glu342Ter)

Gene: TCIRG1 (T cell immune regulator 1, ATPase H+ transporting V0 subunit a3; plus strand). Cytogenetic location: 11q13.2.
Variant type: single nucleotide variant.
Coding change: c.1024G>T on transcript NM_006019.4 (MANE Select); coding-DNA position 1024, G replaced by T.
Protein change: p.Glu342Ter; replaces glutamic acid 342 with a stop codon.
Molecular consequence: nonsense.
Genome position (GRCh38, 1-based): chr11:68,044,961, G>T. VCF-style: chr11-68044961-G-T. GRCh37 (hg19) VCF-style: chr11-67812428-G-T.
Other names: c.130G>T, p.Glu44Ter (NM_001351059.2); c.376G>T, p.Glu126Ter (NM_006053.4); short protein forms E342*, E44*, E126*.
Identifiers: ClinVar variation 555504 (VCV000555504.9), dbSNP rs1159666762, ClinGen allele CA381581036.

ClinVar aggregate classification (germline): Pathogenic/Likely pathogenic. Review status: criteria provided, multiple submitters, no conflicts (2 of 4 stars). 5 submissions from 5 submitters: Pathogenic (1); Likely pathogenic (3). 1 of the submissions does not count toward it. Last evaluated 2024-04-16.

Conditions:
Autosomal recessive osteopetrosis 1. Also called: TCIRG1-Related Autosomal Recessive Osteopetrosis; TCIRG1-Related Osteopetrosis; ALBERS-SCHONBERG DISEASE, AUTOSOMAL RECESSIVE. Identifiers: Orphanet 667, MedGen C1850127, MONDO:0009815, OMIM 259700.
Osteopetrosis. Identifiers: Orphanet 2781, MedGen C0029454, MONDO:0017198, HP:0011002.

gnomAD v4.1: 2 of 1,607,732 alleles (0.00012%); highest among the groups gnomAD compares: Non-Finnish European, 0.00017%; no homozygotes.

Submissions (5):

Fulgent Genetics
Classification: Likely pathogenic for Autosomal recessive osteopetrosis 1. Last evaluated: 2024-04-16. Review status: criteria provided, single submitter. Criteria: ACMG Guidelines, 2015. Collection method: clinical testing. Allele origin: germline.

Baylor Genetics
Classification: Likely pathogenic for Autosomal recessive osteopetrosis 1. Last evaluated: 2024-02-17. Review status: criteria provided, single submitter. Criteria: ACMG Guidelines, 2015. Collection method: clinical testing. Allele origin: unknown.

Labcorp Genetics (formerly Invitae), Labcorp
Classification: Pathogenic. Last evaluated: 2023-06-23. Review status: criteria provided, single submitter. Criteria: Invitae Variant Classification Sherloc (09022015). Collection method: clinical testing. Allele origin: germline.
Comment: This sequence change creates a premature translational stop signal (p.Glu342*) in the TCIRG1 gene. It is expected to result in an absent or disrupted protein product. Loss-of-function variants in TCIRG1 are known to be pathogenic (PMID: 10888887, 10942435, 11532986, 19448635). This variant is present in population databases (no rsID available, gnomAD 0.0009%). This premature translational stop signal has been observed in individual(s) with osteopetrosis (PMID: 10942435). ClinVar contains an entry for this variant (Variation ID: 555504). Algorithms developed to predict the effect of sequence changes on RNA splicing suggest that this variant may create or strengthen a splice site. For these reasons, this variant has been classified as Pathogenic.

Women's Health and Genetics/Laboratory Corporation of America, LabCorp
Classification: Likely pathogenic for Osteopetrosis. Last evaluated: 2020-05-28. Review status: criteria provided, single submitter. Criteria: LabCorp Variant Classification Summary - May 2015. Collection method: clinical testing. Allele origin: germline.
Comment: Variant summary: TCIRG1 c.1024G>T (p.Glu342X) results in a premature termination codon, predicted to cause a truncation of the encoded protein or absence of the protein due to nonsense mediated decay, which are commonly known mechanisms for disease. The variant allele was found at a frequency of 4.1e-06 in 245566 control chromosomes (gnomAD). c.1024G>T has been reported in the literature in one individual affected with Osteopetrosis (Kornak_2000). These data indicate that the variant is likely to be associated with disease. To our knowledge, no experimental evidence demonstrating an impact on protein function has been reported. One ClinVar submitter (evaluation after 2014) cites the variant as likely pathogenic. Based on the evidence outlined above, the variant was classified as likely pathogenic.

Counsyl
Classification: Likely pathogenic for Autosomal recessive osteopetrosis 1. Last evaluated: 2017-12-11. Review status: no assertion criteria provided. Collection method: clinical testing. Allele origin: unknown. Not counted in ClinVar's aggregate classification.

Literature cited by the submitters: PubMed 10888887 (cited by Labcorp Genetics (formerly Invitae), Labcorp); PubMed 10942435 (cited by 3 submitters); PubMed 11532986 (cited by Labcorp Genetics (formerly Invitae), Labcorp); PubMed 19448635 (cited by Labcorp Genetics (formerly Invitae), Labcorp).